The following is an entry in ClinVar:

ClinVar aggregate classification (germline): Likely benign (1 of 4 stars; one submission).

Allele frequency attached by ClinVar (database versions not stated): ExAC 0.00001; gnomAD 0.00002; gnomAD exomes 0.00002; ESP Exome Variant Server 0.00009.
gnomAD v4.1: 21 of 1,209,376 alleles (0.0017%); highest among the groups gnomAD compares: Non-Finnish European, 0.0023%; no homozygotes.

Submission:

CeGaT Center for Human Genetics Tuebingen
Classification: Likely benign. Last evaluated: 2022-07-01. Review status: criteria provided, single submitter. Criteria: CeGaT Center For Human Genetics Tuebingen Variant Classification Criteria Version 2. Collection method: clinical testing. Allele origin: germline. Affected: yes. Observed: 1 variant allele.
Comment: TBX22: BP4

NM_001109878.2(TBX22):c.697G>A (p.Val233Ile)

Gene: TBX22 (T-box transcription factor 22). Cytogenetic location: Xq21.1.
Variant type: single nucleotide variant.
Coding change: c.697G>A on transcript NM_001109878.2 (MANE Select); coding-DNA position 697, G replaced by A.
Protein change: p.Val233Ile; replaces valine 233 with isoleucine.
Molecular consequence: missense variant.
Genome position (GRCh38, 1-based): chrX:80,026,767, G>A. VCF-style: chrX-80026767-G-A. GRCh37 (hg19) VCF-style: chrX-79282266-G-A.
Other names: c.337G>A, p.Val113Ile (NM_001109879.2, NM_001303475.1); c.697G>A, p.Val233Ile (NM_016954.2); short protein forms V113I, V233I.
Identifiers: ClinVar variation 2660978 (VCV002660978.24), dbSNP rs370372482, ClinGen allele CA10461285.